The following is an entry in ClinVar:

NM_014727.3(KMT2B):c.2552del (p.Ala851fs)

Gene: KMT2B (lysine methyltransferase 2B; plus strand). Cytogenetic location: 19q13.12.
Variant type: Deletion.
Coding change: c.2552del on transcript NM_014727.3 (MANE Select); coding-DNA position 2552, one base deleted (C; older notation c.2552delC).
Protein change: p.Ala851fs; shifts the reading frame from alanine 851.
Molecular consequence: frameshift variant.
Genome position (GRCh38, 1-based): chr19:35,722,453, C deleted. VCF-style (leftmost placement, unchanged base first): chr19-35722452-GC-G. GRCh37 (hg19) VCF-style: chr19-36213354-GC-G.
Other names: short protein forms A851fs.
Identifiers: ClinVar variation 4294486 (VCV004294486.1).
Genomic context (GRCh38, chr19:35,722,452, plus strand): 5'-GGGGCTGTCAAGCAGATCTCCGACAGAGGCCCTGTCCGGTCTGAAGATGAGTCGGTGGAA[GC>G]TAAGAGAGAGCGGCCCTCAGTATGCATCGGGAGGAGGGCCCTGAAGAAGACTGGCGGGAG-3'

ClinVar aggregate classification (germline): Likely pathogenic (1 of 4 stars; one submission).

Conditions:
Dystonia 28, childhood-onset (DYT28). Also called: KMT2B-Related Dystonia (DYT-KMT2B). Identifiers: Orphanet 589618, MedGen C4310633, MONDO:0015004, OMIM 617284.

Submission:

Molecular Genetics Department, Kulakov National Medical Research Center for Obstetrics, Gynecology and Perinatology
Classification: Likely pathogenic for Dystonia 28, childhood-onset. Review status: criteria provided, single submitter. Criteria: ACMG Guidelines, 2015. Collection method: clinical testing. Allele origin: germline. Affected: yes. Observed: 1 variant allele.
Comment: A previously undescribed heterozygous nucleotide variant creates a frameshift p.Ala851ValfsTer135 in the KMT2B gene. Heterozygous variants are reported in patients with dystonia 28, childhood-onset, 617284. The variant is not present in population database (gnomAD no frequency). In summary, the currently available evidence indicates that the variant is pathogenic, but additional data are needed to prove that conclusively. Therefore, this variant has been classified as likely pathogenic.